The following is an entry in ClinVar:

ClinVar aggregate classification (germline): Conflicting classifications of pathogenicity. Review status: criteria provided, conflicting classifications (1 of 4 stars). 3 submissions from 3 submitters: Likely pathogenic (2); Uncertain significance (1). Last evaluated 2025-07-15.

Conditions:
Retinitis pigmentosa 19 (RP19). Also called: ABCA4-Related Retinitis Pigmentosa. Identifiers: Orphanet 791, MedGen C1866422, MONDO:0011137, OMIM 601718.
Cone-rod dystrophy 3 (CORD3). Identifiers: Orphanet 1872, MedGen C1858806, MONDO:0011395, OMIM 604116.
Age related macular degeneration 2. Also called: MACULOPATHY, AGE-RELATED; MACULAR DEGENERATION, SENILE; MACULOPATHY, AGE-RELATED, 2. Identifiers: MedGen C3495438, MONDO:0007932, OMIM 153800.
Severe early-childhood-onset retinal dystrophy (STGD1). Also called: STGD; Stargardt macular dystrophy; Juvenile onset macular degeneration; Stargardt disease 1; MACULAR DYSTROPHY WITH FLECKS, TYPE 1. Identifiers: Orphanet 364055, Orphanet 827, MedGen C1855465, MeSH D000080362, MONDO:0009549, OMIM 248200.

Submissions (3):

Women's Health and Genetics/Laboratory Corporation of America, LabCorp
Classification: Uncertain significance. Last evaluated: 2025-07-15. Review status: criteria provided, single submitter. Criteria: LabCorp Variant Classification Summary - May 2015. Collection method: clinical testing. Allele origin: germline.
Comment: Variant summary: ABCA4 c.3248T>A (p.Val1083Glu) results in a non-conservative amino acid change located in the ATP-binding cassette, ABC transporter-type domain profile (IPR003439) of the encoded protein sequence. Algorithms developed to predict the effect of missense changes on protein structure and function all suggest that this variant is likely to be disruptive. The variant was absent in 251474 control chromosomes. The available data on variant occurrences in the general population are insufficient to allow any conclusion about variant significance. These data do not allow any conclusion about variant significance. To our knowledge, no experimental evidence demonstrating an impact on protein function has been reported. ClinVar contains an entry for this variant (Variation ID: 1045711). Based on the evidence outlined above, the variant was classified as uncertain significance.

Fulgent Genetics
Classification: Likely pathogenic for Age related macular degeneration 2; Severe early-childhood-onset retinal dystrophy; Retinitis pigmentosa 19; Cone-rod dystrophy 3. Last evaluated: 2024-06-17. Review status: criteria provided, single submitter. Criteria: ACMG Guidelines, 2015. Collection method: clinical testing. Allele origin: germline.

Labcorp Genetics (formerly Invitae), Labcorp
Classification: Likely pathogenic. Last evaluated: 2022-11-29. Review status: criteria provided, single submitter. Criteria: Invitae Variant Classification Sherloc (09022015). Collection method: clinical testing. Allele origin: germline.
Comment: Advanced modeling of protein sequence and biophysical properties (such as structural, functional, and spatial information, amino acid conservation, physicochemical variation, residue mobility, and thermodynamic stability) performed at Invitae indicates that this missense variant is expected to disrupt ABCA4 protein function. This sequence change replaces valine, which is neutral and non-polar, with glutamic acid, which is acidic and polar, at codon 1083 of the ABCA4 protein (p.Val1083Glu). This variant is not present in population databases (gnomAD no frequency). This missense change has been observed in individual(s) with clinical features of Stargardt disease (Invitae). In at least one individual the data is consistent with being in trans (on the opposite chromosome) from a pathogenic variant. ClinVar contains an entry for this variant (Variation ID: 1045711). In summary, the currently available evidence indicates that the variant is pathogenic, but additional data are needed to prove that conclusively. Therefore, this variant has been classified as Likely Pathogenic.

NM_000350.3(ABCA4):c.3248T>A (p.Val1083Glu)

Gene: ABCA4 (ATP binding cassette subfamily A member 4; minus strand). Cytogenetic location: 1p22.1.
Variant type: single nucleotide variant.
Coding change: c.3248T>A on transcript NM_000350.3 (MANE Select); coding-DNA position 3248, T replaced by A.
Protein change: p.Val1083Glu; replaces valine 1083 with glutamic acid.
Molecular consequence: missense variant.
Genome position (GRCh38, 1-based): chr1:94,042,841, A>T on the plus strand (T>A on the coding strand, the complement: ABCA4 is on the minus strand). VCF-style: chr1-94042841-A-T. GRCh37 (hg19) VCF-style: chr1-94508397-A-T.
Other names: c.3026T>A, p.Val1009Glu (NM_001425324.1); c.3248T>A (NM_000350.2); short protein forms V1083E, V1009E.
Identifiers: ClinVar variation 1045711 (VCV001045711.13), dbSNP rs1660531924, ClinGen allele CA341292199.